The following is an entry in ClinVar:

ClinVar aggregate classification (germline): Pathogenic (1 of 4 stars; one submission).

Submission:

GeneDx
Classification: Pathogenic. Last evaluated: 2017-02-22. Review status: criteria provided, single submitter. Criteria: GeneDx Variant Classification (06012015). Collection method: clinical testing. Allele origin: germline. Affected: yes.
Comment: The W288X nonsense variant in the JAG1 gene is predicted to cause loss of normal protein function either through protein truncation or nonsense-mediated mRNA decay. Additionally, the W288X variant is not observed in large population cohorts (Lek et al., 2016; 1000 Genomes Consortium et al., 2015; Exome Variant Server). Although this pathogenic variant has not been reported previously to our knowledge, its presence is consistent with the diagnosis of Alagille syndrome.

NM_000214.3(JAG1):c.863G>A (p.Trp288Ter)

Gene: JAG1 (jagged canonical Notch ligand 1; minus strand). Cytogenetic location: 20p12.2.
Variant type: single nucleotide variant.
Coding change: c.863G>A on transcript NM_000214.3 (MANE Select); coding-DNA position 863, G replaced by A.
Protein change: p.Trp288Ter; replaces tryptophan 288 with a stop codon.
Molecular consequence: nonsense.
Genome position (GRCh38, 1-based): chr20:10,652,491, C>T on the plus strand (G>A on the coding strand, the complement: JAG1 is on the minus strand). VCF-style: chr20-10652491-C-T. GRCh37 (hg19) VCF-style: chr20-10633139-C-T.
Other names: c.863G>A, p.Trp288Ter (LRG_1191t1); short protein forms W288*.
Identifiers: ClinVar variation 423923 (VCV000423923.2), dbSNP rs1064796702, ClinGen allele CA16620916.
Genomic context (GRCh38, chr20:10,652,491, plus strand): 5'-CAGATCCCACCCTGGGTCTCATCCCTAAGGGCCATACCTTTGTCACAGAGCTGGCCGCCC[C>T]AGTTGGTCTCACAGAGGCACTGCCAGGGCTCATTACAGATGCCGTGGACGCATCCCGGGT-3'